The following is an entry in ClinVar:

ClinVar aggregate classification (germline): Uncertain significance. Review status: criteria provided, multiple submitters, no conflicts (2 of 4 stars). 3 submissions from 3 submitters: Uncertain significance (3). Last evaluated 2024-06-25.

Conditions:
Hereditary cancer-predisposing syndrome. Also called: Neoplastic Syndromes, Hereditary; Hereditary neoplastic syndrome; Hereditary Cancer Syndrome; Tumor predisposition. Identifiers: Orphanet 140162, MedGen C0027672, MeSH D009386, MONDO:0015356.
Birt-Hogg-Dube syndrome. Also called: Birt Hogg Dubé syndrome. Identifiers: Orphanet 122, MedGen C0346010, MONDO:0800444.

Allele frequency attached by ClinVar (database versions not stated): gnomAD exomes below 0.00001.
gnomAD v4.1: 1 of 1,614,134 alleles (0.000062%); highest among the groups gnomAD compares: Non-Finnish European, 0.000085%; no homozygotes.

Submissions (3):

Ambry Genetics
Classification: Uncertain significance for Hereditary cancer-predisposing syndrome. Last evaluated: 2024-06-25. Review status: criteria provided, single submitter. Criteria: Ambry Variant Classification Scheme 2023. Collection method: clinical testing. Allele origin: germline.
Comment: The p.A304V variant (also known as c.911C>T), located in coding exon 6 of the FLCN gene, results from a C to T substitution at nucleotide position 911. The alanine at codon 304 is replaced by valine, an amino acid with similar properties. This amino acid position is conserved. In addition, this alteration is predicted to be tolerated by in silico analysis. Based on the available evidence, the clinical significance of this variant remains unclear.

GeneDx
Classification: Uncertain significance. Last evaluated: 2024-03-13. Review status: criteria provided, single submitter. Criteria: GeneDx Variant Classification Process June 2021. Collection method: clinical testing. Allele origin: germline. Affected: yes.
Comment: Not observed at significant frequency in large population cohorts (gnomAD); In silico analysis supports that this missense variant does not alter protein structure/function; Has not been previously published as pathogenic or benign to our knowledge

Labcorp Genetics (formerly Invitae), Labcorp
Classification: Uncertain significance for Birt-Hogg-Dube syndrome. Last evaluated: 2019-07-30. Review status: criteria provided, single submitter. Criteria: Invitae Variant Classification Sherloc (09022015). Collection method: clinical testing. Allele origin: germline.
Comment: In summary, the available evidence is currently insufficient to determine the role of this variant in disease. Therefore, it has been classified as a Variant of Uncertain Significance. Algorithms developed to predict the effect of missense changes on protein structure and function (SIFT, PolyPhen-2, Align-GVGD) all suggest that this variant is likely to be tolerated, but these predictions have not been confirmed by published functional studies and their clinical significance is uncertain. This variant has not been reported in the literature in individuals with FLCN-related conditions. This variant is not present in population databases (ExAC no frequency). This sequence change replaces alanine with valine at codon 304 of the FLCN protein (p.Ala304Val). The alanine residue is weakly conserved and there is a small physicochemical difference between alanine and valine.

NM_144997.7(FLCN):c.911C>T (p.Ala304Val)

Gene: FLCN (folliculin; minus strand). Cytogenetic location: 17p11.2.
Variant type: single nucleotide variant.
Coding change: c.911C>T on transcript NM_144997.7 (MANE Select); coding-DNA position 911, C replaced by T.
Protein change: p.Ala304Val; replaces alanine 304 with valine.
Molecular consequence: missense variant.
Genome position (GRCh38, 1-based): chr17:17,219,170, G>A on the plus strand (C>T on the coding strand, the complement: FLCN is on the minus strand). VCF-style: chr17-17219170-G-A. GRCh37 (hg19) VCF-style: chr17-17122484-G-A.
Other names: c.965C>T, p.Ala322Val (NM_001353229.2); c.911C>T, p.Ala304Val (NM_001353230.2, NM_001353231.2); short protein forms A322V, A304V.
Identifiers: ClinVar variation 944784 (VCV000944784.9), dbSNP rs2047014907, ClinGen allele CA398533022.